The following is an entry in ClinVar:

ClinVar aggregate classification (germline): Uncertain significance (1 of 4 stars; one submission).

Conditions:
Spinocerebellar ataxia, autosomal recessive, with axonal neuropathy 2 (SCAN2). Also called: Ataxia with Oculomotor Apraxia; ATAXIA-OCULOMOTOR APRAXIA 2; Ataxia-ocular apraxia-2; Ataxia with Oculomotor Apraxia Type 2. Identifiers: Orphanet 64753, MedGen C1853761, MONDO:0018996, OMIM 606002.

Submission:

Kariminejad - Najmabadi Pathology & Genetics Center
Classification: Uncertain significance for Spinocerebellar ataxia, autosomal recessive, with axonal neuropathy 2. Last evaluated: 2023-11-13. Review status: criteria provided, single submitter. Criteria: ACMG Guidelines, 2015. Collection method: clinical testing. Allele origin: germline. Inheritance: Autosomal dominant inheritance. Affected: yes.
Comment: PM2,PP3(Moderate),PP4

NM_015046.7(SETX):c.508T>G (p.Trp170Gly)

Gene: SETX (senataxin; minus strand). Cytogenetic location: 9q34.13.
Variant type: single nucleotide variant.
Coding change: c.508T>G on transcript NM_015046.7 (MANE Select); coding-DNA position 508, T replaced by G.
Protein change: p.Trp170Gly; replaces tryptophan 170 with glycine.
Molecular consequence: missense variant.
Genome position (GRCh38, 1-based): chr9:132,336,506, A>C on the plus strand (T>G on the coding strand, the complement: SETX is on the minus strand). VCF-style: chr9-132336506-A-C. GRCh37 (hg19) VCF-style: chr9-135211893-A-C.
Other names: c.508T>G, p.Trp170Gly (NM_001351527.2, NM_001351528.2); short protein forms W170G.
Identifiers: ClinVar variation 3896993 (VCV003896993.1).